The following is an entry in ClinVar:

ClinVar aggregate classification (germline): Uncertain significance (1 of 4 stars; one submission).

Conditions:
Cardiovascular phenotype. Identifiers: MedGen CN230736.

gnomAD v4.1: 4 of 1,610,490 alleles (0.00025%); highest among the groups gnomAD compares: Non-Finnish European, 0.00034%; no homozygotes.

Submission:

Ambry Genetics
Classification: Uncertain significance for Cardiovascular phenotype. Last evaluated: 2026-02-13. Review status: criteria provided, single submitter. Criteria: Ambry Variant Classification Scheme 2023. Collection method: clinical testing. Allele origin: germline.
Comment: The p.N415S variant (also known as c.1244A>G), located in coding exon 13 of the EYA4 gene, results from an A to G substitution at nucleotide position 1244. The asparagine at codon 415 is replaced by serine, an amino acid with highly similar properties. This amino acid position is conserved. In addition, this alteration is predicted to be tolerated by in silico analysis. Based on the available evidence, the clinical significance of this variant remains unclear.

NM_004100.5(EYA4):c.1244A>G (p.Asn415Ser)

Genes: EYA4 (EYA transcriptional coactivator and phosphatase 4; plus strand), TARID (TCF21 antisense RNA inducing promoter demethylation; minus strand), LOC126859796 (MED14-independent group 3 enhancer GRCh37_chr6:133826289-133827488; plus strand). Cytogenetic location: 6q23.2.
Variant type: single nucleotide variant.
Coding change: c.1244A>G on transcript NM_004100.5 (MANE Select); coding-DNA position 1244, A replaced by G.
Protein change: p.Asn415Ser; replaces asparagine 415 with serine.
Molecular consequence: missense variant. On other transcripts: non-coding transcript variant (1).
Genome position (GRCh38, 1-based): chr6:133,506,158, A>G. VCF-style: chr6-133506158-A-G. GRCh37 (hg19) VCF-style: chr6-133827296-A-G.
Other names: c.1082A>G, p.Asn361Ser (NM_001301012.2); c.1262A>G, p.Asn421Ser (NM_001301013.2); c.1175A>G, p.Asn392Ser (NM_001370458.1, NM_172103.4); c.1100A>G, p.Asn367Ser (NM_001370459.1); c.1244A>G, p.Asn415Ser (NM_172105.4); short protein forms N421S, N361S, N392S, N367S, N415S.
Identifiers: ClinVar variation 4844442 (VCV004844442.1).